The following is an entry in ClinVar:

NM_182493.3(MYLK3):c.1381G>T (p.Asp461Tyr)

Gene: MYLK3 (myosin light chain kinase 3; minus strand). Cytogenetic location: 16q11.2.
Variant type: single nucleotide variant.
Coding change: c.1381G>T on transcript NM_182493.3 (MANE Select); coding-DNA position 1381, G replaced by T.
Protein change: p.Asp461Tyr; replaces aspartic acid 461 with tyrosine.
Molecular consequence: missense variant.
Genome position (GRCh38, 1-based): chr16:46,732,289, C>A on the plus strand (G>T on the coding strand, the complement: MYLK3 is on the minus strand). VCF-style: chr16-46732289-C-A. GRCh37 (hg19) VCF-style: chr16-46766201-C-A.
Other names: c.358G>T, p.Asp120Tyr (NM_001308301.1); short protein forms D461Y, D120Y.
Identifiers: ClinVar variation 3021564 (VCV003021564.3), dbSNP rs375700169, ClinGen allele CA8038005.
Genomic context (GRCh38, chr16:46,732,289, plus strand): 5'-CGGCGCCTGGGGGCATCCTCCTTACTGCTTCAGCTCTCACCGGAGCCCTGGCTGCACAGT[C>A]CTGCTCAGGCTCAGGGTTTCCCGCCCCTGGGCTTTTGCCCTGCTGCAGGCCCAGGGCCCC-3'
Protein context (NP_872299.2, residues 451-471): PGAGNPEPEQ[Asp461Tyr]CAARAPVRAE

ClinVar aggregate classification (germline): Uncertain significance (1 of 4 stars; one submission).

Allele frequency attached by ClinVar (database versions not stated): ESP Exome Variant Server 0.00008.

Submission:

Labcorp Genetics (formerly Invitae), Labcorp
Classification: Uncertain significance. Last evaluated: 2025-06-01. Review status: criteria provided, single submitter. Criteria: Invitae Variant Classification Sherloc (09022015). Collection method: clinical testing. Allele origin: germline.
Comment: This sequence change replaces aspartic acid, which is acidic and polar, with tyrosine, which is neutral and polar, at codon 461 of the MYLK3 protein (p.Asp461Tyr). This variant is present in population databases (rs375700169, gnomAD 0.007%). This variant has not been reported in the literature in individuals affected with MYLK3-related conditions. ClinVar contains an entry for this variant (Variation ID: 3021564). An algorithm developed to predict the effect of missense changes on protein structure and function (PolyPhen-2) suggests that this variant is likely to be disruptive. In summary, the available evidence is currently insufficient to determine the role of this variant in disease. Therefore, it has been classified as a Variant of Uncertain Significance.